The following is an entry in ClinVar:

NM_004415.4(DSP):c.7122C>T (p.Thr2374=)

Gene: DSP (desmoplakin; plus strand). Cytogenetic location: 6p24.3.
Variant type: single nucleotide variant.
Coding change: c.7122C>T on transcript NM_004415.4 (MANE Select); coding-DNA position 7122, C replaced by T.
Protein change: p.Thr2374=; no amino-acid change (threonine 2374 retained).
Molecular consequence: synonymous variant.
Genome position (GRCh38, 1-based): chr6:7,584,384, C>T. VCF-style: chr6-7584384-C-T. GRCh37 (hg19) VCF-style: chr6-7584617-C-T.
Other names: p.Thr2374=; c.5325C>T, p.Thr1775= (NM_001008844.3); c.5793C>T, p.Thr1931= (NM_001319034.2).
Identifiers: ClinVar variation 44947 (VCV000044947.42), dbSNP rs2076300, ClinGen allele CA007128.

ClinVar aggregate classification (germline): Benign. Review status: criteria provided, multiple submitters, no conflicts (2 of 4 stars). 23 submissions from 17 submitters: Benign (17). 6 of the submissions do not count toward it. Last evaluated 2026-02-04.

Conditions:
Cardiovascular phenotype. Identifiers: MedGen CN230736.
Cardiomyopathy, dilated, with wooly hair, keratoderma, and tooth agenesis. Also called: Cardiomyopathy, dilated, with woolly hair, keratoderma, and tooth agenesis; Erythrokeratodermia-cardiomyopathy syndrome. Identifiers: Orphanet 476096, Orphanet 65282, MedGen C4014393, MONDO:0014355, OMIM 615821.
Cardiomyopathy (CMYO). Also called: Cardiomyopathies. Identifiers: Orphanet 167848, MedGen C0878544, MONDO:0004994, HP:0001638. Inheritance: Various modes of inheritance.
Arrhythmogenic cardiomyopathy with wooly hair and keratoderma. Also called: Dilated cardiomyopathy with woolly hair and keratoderma; Arrhythmogenic cardiomyopathy with woolly hair and keratoderma; PALMOPLANTAR KERATODERMA WITH LEFT VENTRICULAR CARDIOMYOPATHY AND WOOLLY HAIR; Carvajal syndrome. Identifiers: Orphanet 65282, MedGen C1854063, MONDO:0011581, OMIM 605676.
Arrhythmogenic right ventricular dysplasia 8 (ARVD8). Also called: Arrhythmogenic Right Ventricular Dysplasia/Cardiomyopathy 8; ARRHYTHMOGENIC RIGHT VENTRICULAR DYSPLASIA, FAMILIAL, 8; ARRHYTHMOGENIC RIGHT VENTRICULAR CARDIOMYOPATHY 8. Identifiers: MedGen C1843896, MONDO:0011831, OMIM 607450.
Keratosis palmoplantaris striata 2. Also called: KERATODERMA, PALMOPLANTAR, STRIATE FORM II; STRIATE PALMOPLANTAR KERATODERMA II; Keratosis palmoplantaris striata II. Identifiers: MedGen C1852127, MONDO:0013034, OMIM 612908.
Lethal acantholytic epidermolysis bullosa (EBLA). Identifiers: Orphanet 158687, MedGen C1864826, MONDO:0012323, OMIM 609638.
Woolly hair-skin fragility syndrome (WHSF). Identifiers: Orphanet 293165, MedGen C1843292, MONDO:0957307, OMIM 620415.

Allele frequency attached by ClinVar (database versions not stated): 1000 Genomes Project 30x 0.21127; 1000 Genomes Project 0.21166; TOPMed 0.27282; gnomAD 0.28118 and 0.28306; ExAC 0.28806; gnomAD exomes 0.28841; ESP Exome Variant Server 0.30225.
gnomAD v4.1: 524,954 of 1,613,850 alleles (33%); highest among the groups gnomAD compares: Middle Eastern, 40%; 89,258 homozygotes.

Submissions (23):

Labcorp Genetics (formerly Invitae), Labcorp
Classification: Benign for Arrhythmogenic cardiomyopathy with wooly hair and keratoderma; Arrhythmogenic right ventricular dysplasia 8. Last evaluated: 2026-02-04. Review status: criteria provided, single submitter. Criteria: Invitae Variant Classification Sherloc (09022015). Collection method: clinical testing. Allele origin: germline.

Molecular Diagnostic Laboratory for Inherited Cardiovascular Disease, Montreal Heart Institute
Classification: Benign. Last evaluated: 2025-02-17. Review status: criteria provided, single submitter. Criteria: ACMG Guidelines, 2015. Collection method: clinical testing. Allele origin: germline. Affected: no.

Blueprint Genetics
Classification: Benign. Last evaluated: 2024-11-27. Review status: criteria provided, single submitter. Criteria: ACMG Guidelines, 2015. Collection method: clinical testing. Allele origin: germline.

Genome-Nilou Lab
Classification: Benign for Arrhythmogenic cardiomyopathy with wooly hair and keratoderma. Last evaluated: 2021-07-30. Review status: criteria provided, single submitter. Criteria: ACMG Guidelines, 2015. Collection method: clinical testing. Allele origin: germline. Affected: no.

Genome-Nilou Lab
Classification: Benign for Cardiomyopathy, dilated, with wooly hair, keratoderma, and tooth agenesis. Last evaluated: 2021-07-30. Review status: criteria provided, single submitter. Criteria: ACMG Guidelines, 2015. Collection method: clinical testing. Allele origin: germline. Affected: no.

Genome-Nilou Lab
Classification: Benign for Lethal acantholytic epidermolysis bullosa. Last evaluated: 2021-07-30. Review status: criteria provided, single submitter. Criteria: ACMG Guidelines, 2015. Collection method: clinical testing. Allele origin: germline. Affected: no.

Genome-Nilou Lab
Classification: Benign for Keratosis palmoplantaris striata 2. Last evaluated: 2021-07-30. Review status: criteria provided, single submitter. Criteria: ACMG Guidelines, 2015. Collection method: clinical testing. Allele origin: germline. Affected: no.

Genome-Nilou Lab
Classification: Benign for Arrhythmogenic cardiomyopathy with wooly hair and keratoderma. Last evaluated: 2021-07-30. Review status: criteria provided, single submitter. Criteria: ACMG Guidelines, 2015. Collection method: clinical testing. Allele origin: germline. Affected: no.

Color Diagnostics, LLC DBA Color Health
Classification: Benign for Cardiomyopathy. Last evaluated: 2018-03-15. Review status: criteria provided, single submitter. Criteria: ACMG Guidelines, 2015. Collection method: clinical testing. Allele origin: germline.

Illumina Laboratory Services, Illumina
Classification: Benign for Arrhythmogenic right ventricular dysplasia 8. Last evaluated: 2018-01-13. Review status: criteria provided, single submitter. Criteria: ICSL Variant Classification Criteria 13 December 2019. Collection method: clinical testing. Allele origin: germline.
Comment: This variant was observed in the ICSL laboratory as part of a predisposition screen in an ostensibly healthy population. It had not been previously curated by ICSL or reported in the Human Gene Mutation Database (HGMD: prior to June 1st, 2018), and was therefore a candidate for classification through an automated scoring system. Utilizing variant allele frequency, disease prevalence and penetrance estimates, and inheritance mode, an automated score was calculated to assess if this variant is too frequent to cause the disease. Based on the score and internal cut-off values, a variant classified as benign is not then subjected to further curation. The score for this variant resulted in a classification of benign for this disease.

Illumina Laboratory Services, Illumina
Classification: Benign for Arrhythmogenic cardiomyopathy with wooly hair and keratoderma. Last evaluated: 2018-01-13. Review status: criteria provided, single submitter. Criteria: ICSL Variant Classification Criteria 13 December 2019. Collection method: clinical testing. Allele origin: germline.
Comment: the same text as in the submission from Illumina Laboratory Services, Illumina above.

Illumina Laboratory Services, Illumina
Classification: Benign for Lethal acantholytic epidermolysis bullosa. Last evaluated: 2018-01-13. Review status: criteria provided, single submitter. Criteria: ICSL Variant Classification Criteria 13 December 2019. Collection method: clinical testing. Allele origin: germline.
Comment: the same text as in the submission from Illumina Laboratory Services, Illumina above.

Ambry Genetics
Classification: Benign for Cardiovascular phenotype. Last evaluated: 2015-03-09. Review status: criteria provided, single submitter. Criteria: Ambry Variant Classification Scheme 2023. Collection method: clinical testing. Allele origin: germline.

GeneDx
Classification: Benign. Last evaluated: 2015-03-03. Review status: criteria provided, single submitter. Criteria: GeneDx Variant Classification Process June 2021. Collection method: clinical testing. Allele origin: germline. Affected: yes.

Mayo Clinic Laboratories, Mayo Clinic
Classification: Benign. Last evaluated: 2014-05-07. Review status: criteria provided, single submitter. Criteria: ACMG Guidelines, 2015. Collection method: clinical testing. Allele origin: germline. Observed: 662 variant alleles.

Laboratory for Molecular Medicine, Mass General Brigham Personalized Medicine
Classification: Benign. Last evaluated: 2007-11-07. Review status: criteria provided, single submitter. Criteria: LMM Criteria. Collection method: clinical testing. Allele origin: germline. Observed: 1,049 variant alleles.

PreventionGenetics, part of Exact Sciences
Classification: Benign. Review status: criteria provided, single submitter. Criteria: ACMG Guidelines, 2015. Collection method: clinical testing. Allele origin: germline.

Cohesion Phenomics
Classification: Benign for Cardiomyopathy. Last evaluated: 2022-09-23. Review status: no assertion criteria provided. Criteria: ACMG Guidelines, 2015. Collection method: clinical testing. Allele origin: germline. Affected: yes. Not counted in ClinVar's aggregate classification.

Clinical Genetics DNA and cytogenetics Diagnostics Lab, Erasmus MC, Erasmus Medical Center
Classification: Benign. Review status: no assertion criteria provided. Collection method: clinical testing. Allele origin: germline. Affected: yes. Study: VKGL Data-share Consensus. Not counted in ClinVar's aggregate classification.

Clinical Genetics, Academic Medical Center
Classification: Benign. Review status: no assertion criteria provided. Collection method: clinical testing. Allele origin: germline. Affected: yes. Study: VKGL Data-share Consensus. Not counted in ClinVar's aggregate classification.

Diagnostic Laboratory, Department of Genetics, University Medical Center Groningen
Classification: Benign. Review status: no assertion criteria provided. Collection method: clinical testing. Allele origin: germline. Affected: yes. Study: VKGL Data-share Consensus. Not counted in ClinVar's aggregate classification.

Genome Diagnostics Laboratory, University Medical Center Utrecht
Classification: Benign. Review status: no assertion criteria provided. Collection method: clinical testing. Allele origin: germline. Affected: yes. Study: VKGL Data-share Consensus. Not counted in ClinVar's aggregate classification.

Joint Genome Diagnostic Labs from Nijmegen and Maastricht, Radboudumc and MUMC+
Classification: Benign. Review status: no assertion criteria provided. Collection method: clinical testing. Allele origin: germline. Affected: yes. Study: VKGL Data-share Consensus. Not counted in ClinVar's aggregate classification.